The following is an entry in ClinVar:

NC_012920.1(MT-ND5):m.13468C>A

Gene: MT-ND5 (mitochondrially encoded NADH dehydrogenase 5; plus strand).
Variant type: single nucleotide variant.
Genome position: chrM-13468-C-A.
Identifiers: ClinVar variation 693559 (VCV000693559.1), dbSNP rs28654395, ClinGen allele CA414818123.

ClinVar aggregate classification (germline): Uncertain significance (1 of 4 stars; one submission).

Conditions:
Leigh syndrome (NULS). Also called: Leigh's necrotizing encephalopathy; Leigh's disease; Leigh Syndrome (mtDNA deletion); Leigh Disease; Subacute necrotizing encephalopathy; Necrotizing encephalopathy infantile subacute of Leigh. Identifiers: Orphanet 506, MedGen C2931891, MONDO:0009723, OMIM 256000.

Submission:

Wong Mito Lab, Molecular and Human Genetics, Baylor College of Medicine
Classification: Uncertain significance for Leigh syndrome. Last evaluated: 2019-10-17. Review status: criteria provided, single submitter. Criteria: Modified ACMG Guidelines (Unpublished). Collection method: clinical testing. Allele origin: germline.
Comment: The NC_012920.1:m.13468C>A (YP_003024036.1:p.Leu378Met) variant in MTND5 gene is interpretated to be a Uncertain Significance variant based on the modified ACMG guidelines (unpublished). This variant meets the following evidence codes: BS4